The following is an entry in ClinVar:

ClinVar aggregate classification (germline): Uncertain significance (1 of 4 stars; one submission).

gnomAD v4.1: 1 of 1,608,066 alleles (0.000062%); highest among the groups gnomAD compares: South Asian, 0.0011%; no homozygotes.

Submission:

Women's Health and Genetics/Laboratory Corporation of America, LabCorp
Classification: Uncertain significance. Last evaluated: 2025-11-14. Review status: criteria provided, single submitter. Criteria: LabCorp Variant Classification Summary - May 2015. Collection method: clinical testing. Allele origin: germline.
Comment: Variant summary: GLI2 c.3136G>A (p.Gly1046Ser) results in a non-conservative amino acid change in the encoded protein sequence. Algorithms developed to predict the effect of missense changes on protein structure and function are either unavailable or do not agree on the potential impact of this missense change. The variant was absent in 230300 control chromosomes. The available data on variant occurrences in the general population are insufficient to allow any conclusion about variant significance. To our knowledge, no occurrence of c.3136G>A in individuals affected with GLI2-related conditions and no experimental evidence demonstrating its impact on protein function have been reported. No submitters have cited clinical-significance assessments for this variant to ClinVar. Based on the evidence outlined above, the variant was classified as uncertain significance.

NM_001374353.1(GLI2):c.3085G>A (p.Gly1029Ser)

Gene: GLI2 (GLI family zinc finger 2; plus strand). Cytogenetic location: 2q14.2.
Variant type: single nucleotide variant.
Coding change: c.3085G>A on transcript NM_001374353.1 (MANE Select); coding-DNA position 3085, G replaced by A.
Protein change: p.Gly1029Ser; replaces glycine 1029 with serine.
Molecular consequence: missense variant.
Genome position (GRCh38, 1-based): chr2:120,989,050, G>A. VCF-style: chr2-120989050-G-A. GRCh37 (hg19) VCF-style: chr2-121746626-G-A.
Other names: c.3136G>A, p.Gly1046Ser (NM_001371271.1, NM_005270.5); c.2710G>A, p.Gly904Ser (NM_001374354.1); short protein forms G1029S, G1046S, G904S.
Identifiers: ClinVar variation 4536686 (VCV004536686.1).